The following is an entry in ClinVar:

ClinVar aggregate classification (germline): Conflicting classifications of pathogenicity. Review status: criteria provided, conflicting classifications (1 of 4 stars). 2 submissions from 2 submitters: Uncertain significance (1); Likely benign (1). Last evaluated 2025-07-14.

Allele frequency attached by ClinVar (database versions not stated): gnomAD 0.00006 and 0.00011; TOPMed 0.00007; ESP Exome Variant Server 0.00015; gnomAD exomes 0.00015 and 0.00023; ExAC 0.00021; 1000 Genomes Project 30x 0.00031; 1000 Genomes Project 0.00040.
gnomAD v4.1: 235 of 1,614,082 alleles (0.015%); highest among the groups gnomAD compares: South Asian, 0.15%; 1 homozygote.

Submissions (2):

Labcorp Genetics (formerly Invitae), Labcorp
Classification: Uncertain significance. Last evaluated: 2025-07-14. Review status: criteria provided, single submitter. Criteria: Invitae Variant Classification Sherloc (09022015). Collection method: clinical testing. Allele origin: germline.
Comment: This sequence change replaces isoleucine, which is neutral and non-polar, with threonine, which is neutral and polar, at codon 728 of the KIF20A protein (p.Ile728Thr). This variant is present in population databases (rs141428538, gnomAD 0.2%), and has an allele count higher than expected for a pathogenic variant. This variant has not been reported in the literature in individuals affected with KIF20A-related conditions. ClinVar contains an entry for this variant (Variation ID: 1374586). An algorithm developed to predict the effect of missense changes on protein structure and function outputs the following: PolyPhen-2: "Benign". The threonine amino acid residue is found in multiple mammalian species, which suggests that this missense change does not adversely affect protein function. In summary, the available evidence is currently insufficient to determine the role of this variant in disease. Therefore, it has been classified as a Variant of Uncertain Significance.

Ambry Genetics
Classification: Likely benign. Last evaluated: 2022-09-14. Review status: criteria provided, single submitter. Criteria: Ambry Variant Classification Scheme 2023. Collection method: clinical testing. Allele origin: germline.

NM_005733.3(KIF20A):c.2183T>C (p.Ile728Thr)

Gene: KIF20A (kinesin family member 20A; plus strand). Cytogenetic location: 5q31.2.
Variant type: single nucleotide variant.
Coding change: c.2183T>C on transcript NM_005733.3 (MANE Select); coding-DNA position 2183, T replaced by C.
Protein change: p.Ile728Thr; replaces isoleucine 728 with threonine.
Molecular consequence: missense variant.
Genome position (GRCh38, 1-based): chr5:138,186,018, T>C. VCF-style: chr5-138186018-T-C. GRCh37 (hg19) VCF-style: chr5-137521707-T-C.
Other names: c.2183T>C (NM_005733.2); short protein forms I728T.
Identifiers: ClinVar variation 1374586 (VCV001374586.9), dbSNP rs141428538, ClinGen allele CA3426838.